The following is an entry in ClinVar:

NM_024652.6(LRRK1):c.261+2T>G

Gene: LRRK1 (leucine rich repeat kinase 1; plus strand). Cytogenetic location: 15q26.3.
Variant type: single nucleotide variant.
Coding change: c.261+2T>G on transcript NM_024652.6 (MANE Select); the canonical splice donor site of the intron after coding-DNA position 261, T replaced by G.
Molecular consequence: splice donor variant.
Genome position (GRCh38, 1-based): chr15:100,973,969, T>G. VCF-style: chr15-100973969-T-G. GRCh37 (hg19) VCF-style: chr15-101514174-T-G.
Identifiers: ClinVar variation 3726651 (VCV003726651.2).

ClinVar aggregate classification (germline): Likely pathogenic (1 of 4 stars; one submission).

Submission:

Labcorp Genetics (formerly Invitae), Labcorp
Classification: Likely pathogenic. Last evaluated: 2024-12-04. Review status: criteria provided, single submitter. Criteria: Invitae Variant Classification Sherloc (09022015). Collection method: clinical testing. Allele origin: germline.
Comment: This sequence change affects a donor splice site in intron 3 of the LRRK1 gene. It is expected to disrupt RNA splicing. Variants that disrupt the donor or acceptor splice site typically lead to a loss of protein function (PMID: 16199547), and loss-of-function variants in LRRK1 are known to be pathogenic (PMID: 23526378, 31571209, 32119750). This variant is not present in population databases (gnomAD no frequency). This variant has not been reported in the literature in individuals affected with LRRK1-related conditions. Algorithms developed to predict the effect of sequence changes on RNA splicing suggest that this variant may disrupt the consensus splice site. In summary, the currently available evidence indicates that the variant is pathogenic, but additional data are needed to prove that conclusively. Therefore, this variant has been classified as Likely Pathogenic.

Literature cited by the submitters: PubMed 16199547; PubMed 23526378; PubMed 31571209; PubMed 32119750.